The following is an entry in ClinVar:

ClinVar aggregate classification (germline): Uncertain significance. Review status: criteria provided, single submitter (1 of 4 stars). 3 submissions from 3 submitters: Uncertain significance (1). 2 of the submissions do not count toward it. Last evaluated 2023-10-10.

Conditions:
Aicardi-Goutieres syndrome 6 (AGS6). Identifiers: Orphanet 51, MedGen C3539013, MONDO:0014007, OMIM 615010.
Symmetrical dyschromatosis of extremities (DSH). Also called: RETICULATE ACROPIGMENTATION OF DOHI; SYMMETRIC DYSCHROMATOSIS OF THE EXTREMITIES; DYSCHROMATOSIS SYMMETRICA HEREDITARIA 1; Dyschromatosis symmetrica hereditaria. Identifiers: Orphanet 41, MedGen C0406775, MONDO:0007483, OMIM 127400.

Allele frequency attached by ClinVar (database versions not stated): gnomAD exomes below 0.00001.
gnomAD v4.1: 4 of 1,612,092 alleles (0.00025%); highest among the groups gnomAD compares: African/African-American, 0.0013%; no homozygotes.

Submissions (3):

Labcorp Genetics (formerly Invitae), Labcorp
Classification: Uncertain significance for Aicardi-Goutieres syndrome 6; Symmetrical dyschromatosis of extremities. Last evaluated: 2023-10-10. Review status: criteria provided, single submitter. Criteria: Invitae Variant Classification Sherloc (09022015). Collection method: clinical testing. Allele origin: germline.
Comment: This sequence change replaces arginine, which is basic and polar, with histidine, which is basic and polar, at codon 892 of the ADAR protein (p.Arg892His). This variant is not present in population databases (gnomAD no frequency). This missense change has been observed in individual(s) with clinical features of Aicardi Goutieres syndrome (PMID: 23001123). ClinVar contains an entry for this variant (Variation ID: 39455). Advanced modeling of protein sequence and biophysical properties (such as structural, functional, and spatial information, amino acid conservation, physicochemical variation, residue mobility, and thermodynamic stability) performed at Invitae indicates that this missense variant is not expected to disrupt ADAR protein function. In summary, the available evidence is currently insufficient to determine the role of this variant in disease. Therefore, it has been classified as a Variant of Uncertain Significance.

ClinVar Staff, National Center for Biotechnology Information (NCBI)
Classification: Likely pathogenic for Aicardi-goutieres syndrome 6. Last evaluated: 2013-06-27. Review status: no assertion criteria provided. Collection method: literature only. Allele origin: germline. Affected: yes. Not counted in ClinVar's aggregate classification.

OMIM
Classification: Pathogenic for AICARDI-GOUTIERES SYNDROME 6. Last evaluated: 2012-11-01. Review status: no assertion criteria provided. Collection method: literature only. Allele origin: germline. Not counted in ClinVar's aggregate classification.

Literature cited by the submitters: PubMed 23001123 (cited by 3 submitters).

NM_001111.5(ADAR):c.2675G>A (p.Arg892His)

Genes: ADAR (adenosine deaminase RNA specific; minus strand), LOC126805874 (CDK7 strongly-dependent group 2 enhancer GRCh37_chr1:154561176-154562375; plus strand). Cytogenetic location: 1q21.3.
Variant type: single nucleotide variant.
Coding change: c.2675G>A on transcript NM_001111.5 (MANE Select); coding-DNA position 2675, G replaced by A.
Protein change: p.Arg892His; replaces arginine 892 with histidine.
Molecular consequence: missense variant.
Genome position (GRCh38, 1-based): chr1:154,589,456, C>T on the plus strand (G>A on the coding strand, the complement: ADAR is on the minus strand). VCF-style: chr1-154589456-C-T. GRCh37 (hg19) VCF-style: chr1-154561932-C-T.
Other names: c.2675G>A, p.Arg892His (LRG_1212t1); c.1790G>A, p.Arg597His (NM_001025107.3, NM_001193495.2, NM_001365046.1 and 2 more transcripts); c.2702G>A, p.Arg901His (NM_001365045.1); c.1712G>A, p.Arg571His (NM_001365049.1); c.2597G>A, p.Arg866His (NM_015840.4); c.2540G>A, p.Arg847His (NM_015841.4); short protein forms R892H, R597H, R847H, R901H, R571H, R866H.
Identifiers: ClinVar variation 39455 (VCV000039455.7), dbSNP rs398122892, ClinGen allele CA343773.